The following is an entry in ClinVar:

NM_001288705.3(CSF1R):c.122G>A (p.Arg41Gln)

Gene: CSF1R (colony stimulating factor 1 receptor; minus strand). Cytogenetic location: 5q32.
Variant type: single nucleotide variant.
Coding change: c.122G>A on transcript NM_001288705.3 (MANE Select); coding-DNA position 122, G replaced by A.
Protein change: p.Arg41Gln; replaces arginine 41 with glutamine.
Molecular consequence: missense variant. On other transcripts: 5 prime UTR variant (1), non-coding transcript variant (2).
Genome position (GRCh38, 1-based): chr5:150,080,952, C>T on the plus strand (G>A on the coding strand, the complement: CSF1R is on the minus strand). VCF-style: chr5-150080952-C-T. GRCh37 (hg19) VCF-style: chr5-149460515-C-T.
Other names: c.122G>A, p.Arg41Gln (NM_001349736.2, NM_001375320.1, NM_005211.4); c.-323G>A (NM_001375321.1); short protein forms R41Q.
Identifiers: ClinVar variation 2284617 (VCV002284617.6), dbSNP rs777239066, ClinGen allele CA3507278.

ClinVar aggregate classification (germline): Uncertain significance. Review status: criteria provided, multiple submitters, no conflicts (2 of 4 stars). 2 submissions from 2 submitters: Uncertain significance (2). Last evaluated 2026-01-05.

Conditions:
Inborn genetic diseases. Identifiers: MedGen C0950123, MeSH D030342.

Allele frequency attached by ClinVar (database versions not stated): gnomAD 0.00001; ExAC 0.00002.
gnomAD v4.1: 17 of 1,613,992 alleles (0.0011%); highest among the groups gnomAD compares: South Asian, 0.0044%; no homozygotes.

Submissions (2):

Ambry Genetics
Classification: Uncertain significance for Inborn genetic diseases. Last evaluated: 2026-01-05. Review status: criteria provided, single submitter. Criteria: Ambry Variant Classification Scheme 2023. Collection method: clinical testing. Allele origin: germline.
Comment: The c.122G>A (p.R41Q) alteration is located in exon 3 (coding exon 2) of the CSF1R gene. This alteration results from a G to A substitution at nucleotide position 122, causing the arginine (R) at amino acid position 41 to be replaced by a glutamine (Q). Based on data from gnomAD, the A allele has an overall frequency of 0.002% (6/282580) total alleles studied. The highest observed frequency was 0.014% (1/7222) of Other alleles. Based on insufficient or conflicting evidence, the clinical significance of this alteration remains unclear.

Labcorp Genetics (formerly Invitae), Labcorp
Classification: Uncertain significance. Last evaluated: 2025-05-01. Review status: criteria provided, single submitter. Criteria: Invitae Variant Classification Sherloc (09022015). Collection method: clinical testing. Allele origin: germline.
Comment: This sequence change replaces arginine, which is basic and polar, with glutamine, which is neutral and polar, at codon 41 of the CSF1R protein (p.Arg41Gln). This variant is present in population databases (rs777239066, gnomAD 0.003%). This variant has not been reported in the literature in individuals affected with CSF1R-related conditions. ClinVar contains an entry for this variant (Variation ID: 2284617). Invitae Evidence Modeling of protein sequence and biophysical properties (such as structural, functional, and spatial information, amino acid conservation, physicochemical variation, residue mobility, and thermodynamic stability) indicates that this missense variant is not expected to disrupt CSF1R protein function with a negative predictive value of 95%. In summary, the available evidence is currently insufficient to determine the role of this variant in disease. Therefore, it has been classified as a Variant of Uncertain Significance.